The following is an entry in ClinVar:

ClinVar aggregate classification (germline): Uncertain significance (1 of 4 stars; one submission).

Conditions:
Cardiovascular phenotype. Identifiers: MedGen CN230736.

Submission:

Ambry Genetics
Classification: Uncertain significance for Cardiovascular phenotype. Last evaluated: 2026-05-17. Review status: criteria provided, single submitter. Criteria: Ambry Variant Classification Scheme 2023. Collection method: clinical testing. Allele origin: germline.
Comment: The p.P245S variant (also known as c.733C>T), located in coding exon 2 of the GDF2 gene, results from a C to T substitution at nucleotide position 733. The proline at codon 245 is replaced by serine, an amino acid with similar properties. This amino acid position is conserved. Based on the available evidence, the clinical significance of this variant remains unclear.

NM_016204.4(GDF2):c.733C>T (p.Pro245Ser)

Gene: GDF2 (growth differentiation factor 2; plus strand). Cytogenetic location: 10q11.22.
Variant type: single nucleotide variant.
Coding change: c.733C>T on transcript NM_016204.4 (MANE Select); coding-DNA position 733, C replaced by T.
Protein change: p.Pro245Ser; replaces proline 245 with serine.
Molecular consequence: missense variant.
Genome position (GRCh38, 1-based): chr10:47,325,227, C>T. VCF-style: chr10-47325227-C-T. GRCh37 (hg19) VCF-style: chr10-48414135-G-A.
Other names: short protein forms P245S.
Identifiers: ClinVar variation 4857917 (VCV004857917.1).